The following is an entry in ClinVar:

ClinVar aggregate classification (germline): Uncertain significance (1 of 4 stars; one submission).

Conditions:
Cataract 1 multiple types. Also called: CATARACT, DUFFY-LINKED; CATARACT 1, POSTERIOR SUBCAPSULAR, WITH MICROCORNEA; CATARACT 1, STELLATE NUCLEAR, WITH MICROCORNEA; CATARACT 1, MULTIPLE TYPES, WITH OR WITHOUT MICROCORNEA; CATARACT 1, NUCLEAR PROGRESSIVE; CATARACT 1 WITH MICROCORNEA. Identifiers: Orphanet 1377, MedGen C1861828, MONDO:0007285, OMIM 116200.

Submission:

Dept. Genetics and Cancer, Menzies Institute for Medical Research, University of Tasmania
Classification: Uncertain significance for Cataract 1 multiple types. Last evaluated: 2023-01-21. Review status: criteria provided, single submitter. Criteria: ACMG Guidelines, 2015. Collection method: curation. Allele origin: germline. Affected: yes.
Comment: Variant identified and curated during a GJA8 specific review of the literature in relation to pediatric or congenital cataract. ACMG-AMP criteria applied: PM1(Supporting), PM2(Supporting), PM5(Supporting), PP3. Original variant report: PMID:34101287. The cataract phenotype reported for this variant is: Nuclear. Gene review and curation guidelines are outlined in: DOI 10.1080/17469899.2023.2160320

Literature cited by the submitters: PubMed 34101287.

NM_005267.5(GJA8):c.175C>A (p.Pro59Thr)

Gene: GJA8 (gap junction protein alpha 8; plus strand). Cytogenetic location: 1q21.2.
Variant type: single nucleotide variant.
Coding change: c.175C>A on transcript NM_005267.5 (MANE Select); coding-DNA position 175, C replaced by A.
Protein change: p.Pro59Thr; replaces proline 59 with threonine.
Molecular consequence: missense variant.
Genome position (GRCh38, 1-based): chr1:147,908,130, C>A. VCF-style: chr1-147908130-C-A. GRCh37 (hg19) VCF-style: chr1-147380257-C-A.
Other names: short protein forms P59T.
Identifiers: ClinVar variation 3253718 (VCV003253718.1), dbSNP rs2524889317.
Genomic context (GRCh38, chr1:147,908,130, plus strand): 5'-ACGGCCGCAGAGTTCGTGTGGGGGGATGAGCAATCCGACTTCGTGTGCAACACCCAGCAG[C>A]CTGGCTGCGAGAACGTCTGCTACGACGAGGCCTTTCCCATCTCCCACATTCGCCTCTGGG-3'
Protein context (NP_005258.2, residues 49-69): QSDFVCNTQQ[Pro59Thr]GCENVCYDEA